The following is an entry in ClinVar:

NM_001040436.3(YARS2):c.98C>T (p.Ser33Leu)

Gene: YARS2 (tyrosyl-tRNA synthetase 2; minus strand). Cytogenetic location: 12p11.21.
Variant type: single nucleotide variant.
Coding change: c.98C>T on transcript NM_001040436.3 (MANE Select); coding-DNA position 98, C replaced by T.
Protein change: p.Ser33Leu; replaces serine 33 with leucine.
Molecular consequence: missense variant.
Genome position (GRCh38, 1-based): chr12:32,755,777, G>A on the plus strand (C>T on the coding strand, the complement: YARS2 is on the minus strand). VCF-style: chr12-32755777-G-A. GRCh37 (hg19) VCF-style: chr12-32908711-G-A.
Other names: short protein forms S33L.
Identifiers: ClinVar variation 3983042 (VCV003983042.2).

ClinVar aggregate classification (germline): Uncertain significance. Review status: criteria provided, multiple submitters, no conflicts (2 of 4 stars). 2 submissions from 2 submitters: Uncertain significance (2). Last evaluated 2025-11-19.

Conditions:
Inborn genetic diseases. Identifiers: MedGen C0950123, MeSH D030342.

gnomAD v4.1: 16 of 1,613,780 alleles (0.00099%); highest among the groups gnomAD compares: East Asian, 0.0067%; no homozygotes.

Submissions (2):

Labcorp Genetics (formerly Invitae), Labcorp
Classification: Uncertain significance. Last evaluated: 2025-11-19. Review status: criteria provided, single submitter. Criteria: Invitae Variant Classification Sherloc (09022015). Collection method: clinical testing. Allele origin: germline.
Comment: This sequence change replaces serine, which is neutral and polar, with leucine, which is neutral and non-polar, at codon 33 of the YARS2 protein (p.Ser33Leu). This variant is present in population databases (rs748941040, gnomAD 0.02%). This variant has not been reported in the literature in individuals affected with YARS2-related conditions. ClinVar contains an entry for this variant (Variation ID: 3983042). Invitae Evidence Modeling of protein sequence and biophysical properties (such as structural, functional, and spatial information, amino acid conservation, physicochemical variation, residue mobility, and thermodynamic stability) has been performed for this missense variant. However, the output from this modeling did not meet the statistical confidence thresholds required to predict the impact of this variant on YARS2 protein function. In summary, the available evidence is currently insufficient to determine the role of this variant in disease. Therefore, it has been classified as a Variant of Uncertain Significance.

Ambry Genetics
Classification: Uncertain significance for Inborn genetic diseases. Last evaluated: 2025-04-08. Review status: criteria provided, single submitter. Criteria: Ambry Variant Classification Scheme 2023. Collection method: clinical testing. Allele origin: germline.